The following is an entry in ClinVar:

NM_006129.5(BMP1):c.551+20C>A

Gene: BMP1 (bone morphogenetic protein 1; plus strand). Cytogenetic location: 8p21.3.
Variant type: single nucleotide variant.
Coding change: c.551+20C>A on transcript NM_006129.5 (MANE Select); 20 bases into the intron after coding-DNA position 551, C replaced by A.
Molecular consequence: intron variant.
Genome position (GRCh38, 1-based): chr8:22,176,670, C>A. VCF-style: chr8-22176670-C-A. GRCh37 (hg19) VCF-style: chr8-22034183-C-A.
Other names: c.551+20C>A (NM_001199.4).
Identifiers: ClinVar variation 2970508 (VCV002970508.4), dbSNP rs375600190, ClinGen allele CA580950521.
Genomic context (GRCh38, chr8:22,176,670, plus strand): 5'-GACGAGGACAGCTATATTGTGTTCACCTATCGACCTTGCGGGTGAGCAGGAAGCCCTAGG[C>A]GCTGTACCTTCCGCCATTGCCCCAACCCAGGTTCTGCCCTGGGCCCTGCCACTGCCCCCA-3'

ClinVar aggregate classification (germline): Likely benign. Review status: criteria provided, multiple submitters, no conflicts (2 of 4 stars). 2 submissions from 2 submitters: Likely benign (2). Last evaluated 2024-05-17.

gnomAD v4.1: 8 of 1,611,008 alleles (0.0005%); highest among the groups gnomAD compares: African/African-American, 0.011%; no homozygotes.

Submissions (2):

Women's Health and Genetics/Laboratory Corporation of America, LabCorp
Classification: Likely benign. Last evaluated: 2024-05-17. Review status: criteria provided, single submitter. Criteria: LabCorp Variant Classification Summary - May 2015. Collection method: clinical testing. Allele origin: germline.
Comment: Variant summary: BMP1 c.551+20C>A alters a non-conserved nucleotide located at a position not widely known to affect splicing. Consensus agreement among computation tools predict no significant impact on normal splicing. However, these predictions have yet to be confirmed by functional studies. The variant allele was found at a frequency of 3.2e-05 in 31316 control chromosomes. The available data on variant occurrences in the general population are insufficient to allow any conclusion about variant significance. To our knowledge, no occurrence of c.551+20C>A in individuals affected with Osteogenesis Imperfecta and no experimental evidence demonstrating its impact on protein function have been reported. ClinVar contains an entry for this variant (Variation ID: 2970508). Based on the evidence outlined above, the variant was classified as likely benign.

Labcorp Genetics (formerly Invitae), Labcorp
Classification: Likely benign. Last evaluated: 2024-02-23. Review status: criteria provided, single submitter. Criteria: Invitae Variant Classification Sherloc (09022015). Collection method: clinical testing. Allele origin: germline.